The following is an entry in ClinVar:

NM_000238.4(KCNH2):c.2678G>A (p.Arg893Lys)

Gene: KCNH2 (potassium voltage-gated channel subfamily H member 2; minus strand). Cytogenetic location: 7q36.1.
Variant type: single nucleotide variant.
Coding change: c.2678G>A on transcript NM_000238.4 (MANE Select); coding-DNA position 2678, G replaced by A.
Protein change: p.Arg893Lys; replaces arginine 893 with lysine.
Molecular consequence: missense variant.
Genome position (GRCh38, 1-based): chr7:150,948,458, C>T on the plus strand (G>A on the coding strand, the complement: KCNH2 is on the minus strand). VCF-style: chr7-150948458-C-T. GRCh37 (hg19) VCF-style: chr7-150645546-C-T.
Other names: c.1658G>A, p.Arg553Lys (NM_172057.3); short protein forms R553K, R893K.
Identifiers: ClinVar variation 1025677 (VCV001025677.8), dbSNP rs1801005127, ClinGen allele CA369853646.

ClinVar aggregate classification (germline): Uncertain significance (1 of 4 stars; one submission).

Conditions:
Long QT syndrome (LQTS). Identifiers: MedGen C0023976, MeSH D008133, MONDO:0002442. Disease mechanism: loss of function. Inheritance: Various modes of inheritance.

Submission:

Labcorp Genetics (formerly Invitae), Labcorp
Classification: Uncertain significance for Long QT syndrome. Last evaluated: 2021-05-25. Review status: criteria provided, single submitter. Criteria: Invitae Variant Classification Sherloc (09022015). Collection method: clinical testing. Allele origin: germline.
Comment: In summary, the available evidence is currently insufficient to determine the role of this variant in disease. Therefore, it has been classified as a Variant of Uncertain Significance. Algorithms developed to predict the effect of missense changes on protein structure and function (SIFT, PolyPhen-2, Align-GVGD) all suggest that this variant is likely to be tolerated, but these predictions have not been confirmed by published functional studies and their clinical significance is uncertain. This variant has not been reported in the literature in individuals with KCNH2-related conditions. ClinVar contains an entry for this variant (Variation ID: 1025677). This variant is not present in population databases (ExAC no frequency). This sequence change replaces arginine with lysine at codon 893 of the KCNH2 protein (p.Arg893Lys). The arginine residue is moderately conserved and there is a small physicochemical difference between arginine and lysine.